The following is an entry in ClinVar:

NM_024678.6(NARS2):c.1263-18_1263-7del

Gene: NARS2 (asparaginyl-tRNA synthetase 2, mitochondrial; minus strand). Cytogenetic location: 11q14.1.
Variant type: Deletion.
Coding change: c.1263-18_1263-7del on transcript NM_024678.6 (MANE Select); 18 bases into the intron before coding-DNA position 1263 through 7 bases into the intron before coding-DNA position 1263, 12 bases deleted (TTATTTTCCTTT).
Molecular consequence: intron variant.
Genome position (GRCh38, 1-based): chr11:78,441,124-78,441,135, AAAGGAAAATAA deleted on the plus strand (TTATTTTCCTTT on the coding strand, the reverse complement: NARS2 is on the minus strand); deleting any 12 consecutive bases within chr11:78,441,124-78,441,137 gives the same sequence; the c. name uses the placement nearest the transcript's 3' end. VCF-style (leftmost placement, unchanged base first): chr11-78441123-TAAAGGAAAATAA-T. GRCh37 (hg19) VCF-style: chr11-78152169-TAAAGGAAAATAA-T.
Other names: c.582-18_582-7del (NM_001243251.2).
Identifiers: ClinVar variation 2904142 (VCV002904142.2), dbSNP rs759647429, ClinGen allele CA6205525.

ClinVar aggregate classification (germline): Uncertain significance. Review status: criteria provided, multiple submitters, no conflicts (2 of 4 stars). 2 submissions from 2 submitters: Uncertain significance (2). Last evaluated 2024-06-27.

Submissions (2):

Blueprint Genetics
Classification: Uncertain significance. Last evaluated: 2024-06-27. Review status: criteria provided, single submitter. Criteria: ACMG Guidelines, 2015. Collection method: clinical testing. Allele origin: germline.

Labcorp Genetics (formerly Invitae), Labcorp
Classification: Uncertain significance. Last evaluated: 2023-03-01. Review status: criteria provided, single submitter. Criteria: Invitae Variant Classification Sherloc (09022015). Collection method: clinical testing. Allele origin: germline.
Comment: This sequence change falls in intron 12 of the NARS2 gene. It does not directly change the encoded amino acid sequence of the NARS2 protein. This variant is present in population databases (rs759647429, gnomAD 0.0009%). This variant has not been reported in the literature in individuals affected with NARS2-related conditions. Algorithms developed to predict the effect of sequence changes on RNA splicing suggest that this variant may disrupt the consensus splice site. In summary, the available evidence is currently insufficient to determine the role of this variant in disease. Therefore, it has been classified as a Variant of Uncertain Significance.